The following is an entry in ClinVar:

NM_178857.6(RP1L1):c.2763del (p.Leu922fs)

Gene: RP1L1 (RP1 like 1). Cytogenetic location: 8p23.1.
Variant type: Deletion.
Coding change: c.2763del on transcript NM_178857.6 (MANE Select); coding-DNA position 2763, one base deleted.
Protein change: p.Leu922fs; shifts the reading frame from leucine 922.
Molecular consequence: frameshift variant.
Genome position: GRCh38 VCF-style: chr8-10611334-GC-G. GRCh37 (hg19) VCF-style: chr8-10468844-GC-G.
Other names: short protein forms L922fs.
Identifiers: ClinVar variation 4526776 (VCV004526776.1).

ClinVar aggregate classification (germline): Likely pathogenic (1 of 4 stars; one submission).

Submission:

Centre for Clinical Genetics and Genomic Diagnostics, Zealand University Hospital
Classification: Likely pathogenic. Last evaluated: 2025-01-28. Review status: criteria provided, single submitter. Criteria: ACMG Guidelines, 2015. Collection method: clinical testing. Allele origin: germline. Affected: yes.
Comment: Compound heterozygous